The following is an entry in ClinVar:

NM_176824.3(BBS7):c.198T>G (p.Ile66Met)

Gene: BBS7 (Bardet-Biedl syndrome 7; minus strand). Cytogenetic location: 4q27.
Variant type: single nucleotide variant.
Coding change: c.198T>G on transcript NM_176824.3 (MANE Select); coding-DNA position 198, T replaced by G.
Protein change: p.Ile66Met; replaces isoleucine 66 with methionine.
Molecular consequence: missense variant.
Genome position (GRCh38, 1-based): chr4:121,861,647, A>C on the plus strand (T>G on the coding strand, the complement: BBS7 is on the minus strand). VCF-style: chr4-121861647-A-C. GRCh37 (hg19) VCF-style: chr4-122782802-A-C.
Other names: c.198T>G, p.Ile66Met (NM_018190.4); short protein forms I66M.
Identifiers: ClinVar variation 1063334 (VCV001063334.27), dbSNP rs367765050, ClinGen allele CA3064557.

ClinVar aggregate classification (germline): Conflicting classifications of pathogenicity. Review status: criteria provided, conflicting classifications (1 of 4 stars). 3 submissions from 3 submitters: Likely pathogenic (2); Uncertain significance (1). Last evaluated 2024-05-14.

Conditions:
Bardet-Biedl syndrome (BBS). Identifiers: Orphanet 110, MedGen C0752166, MONDO:0015229.
Bardet-Biedl syndrome 7 (BBS7). Identifiers: Orphanet 110, MedGen C1859565, MONDO:0014435, OMIM 615984.

Allele frequency attached by ClinVar (database versions not stated): gnomAD 0.00001; gnomAD exomes 0.00001 and 0.00003; ExAC 0.00003; TOPMed 0.00004; ESP Exome Variant Server 0.00023.
gnomAD v4.1: 19 of 1,613,732 alleles (0.0012%); highest among the groups gnomAD compares: Non-Finnish European, 0.00059%; no homozygotes.

Submissions (3):

Fulgent Genetics
Classification: Likely pathogenic for Bardet-Biedl syndrome 7. Last evaluated: 2024-05-14. Review status: criteria provided, single submitter. Criteria: ACMG Guidelines, 2015. Collection method: clinical testing. Allele origin: germline.

CeGaT Center for Human Genetics Tuebingen
Classification: Likely pathogenic. Last evaluated: 2024-01-01. Review status: criteria provided, single submitter. Criteria: CeGaT Center For Human Genetics Tuebingen Variant Classification Criteria Version 2. Collection method: clinical testing. Allele origin: germline. Affected: yes. Observed: 1 variant allele.
Comment: BBS7: PM2, PM3, PM5

Labcorp Genetics (formerly Invitae), Labcorp
Classification: Uncertain significance for Bardet-Biedl syndrome. Last evaluated: 2022-03-11. Review status: criteria provided, single submitter. Criteria: Invitae Variant Classification Sherloc (09022015). Collection method: clinical testing. Allele origin: germline.
Comment: This sequence change replaces isoleucine, which is neutral and non-polar, with methionine, which is neutral and non-polar, at codon 66 of the BBS7 protein (p.Ile66Met). This variant is present in population databases (rs367765050, gnomAD 0.08%). This missense change has been observed in individual(s) with Bardet-Biedl syndrome (PMID: 19797195). ClinVar contains an entry for this variant (Variation ID: 1063334). Algorithms developed to predict the effect of missense changes on protein structure and function are either unavailable or do not agree on the potential impact of this missense change (SIFT: "Deleterious"; PolyPhen-2: "Possibly Damaging"; Align-GVGD: "Class C0"). In summary, the available evidence is currently insufficient to determine the role of this variant in disease. Therefore, it has been classified as a Variant of Uncertain Significance.

Literature cited by the submitters: PubMed 19797195 (cited by Labcorp Genetics (formerly Invitae), Labcorp).